The following is an entry in ClinVar:

NM_000268.4(NF2):c.560_561del (p.Arg187fs)

Gene: NF2 (NF2, moesin-ezrin-radixin like (MERLIN) tumor suppressor; plus strand). Cytogenetic location: 22q12.2.
Variant type: Microsatellite.
Coding change: c.560_561del on transcript NM_000268.4 (MANE Select); coding-DNA positions 560 to 561, 2 bases deleted (GA; older notation c.560_561delGA).
Protein change: p.Arg187fs; shifts the reading frame from arginine 187.
Molecular consequence: frameshift variant. On other transcripts: non-coding transcript variant (1), intron variant (1).
Genome position (GRCh38, 1-based): chr22:29,655,637-29,655,638, GA deleted; deleting any 2 consecutive bases within chr22:29,655,633-29,655,638 gives the same sequence; the c. name uses the placement nearest the transcript's 3' end. VCF-style (leftmost placement, unchanged base first): chr22-29655632-GGA-G. GRCh37 (hg19) VCF-style: chr22-30051621-GGA-G.
Other names: c.560_561delGA (NM_000268.3); c.560_561del, p.Arg187fs (NM_016418.5, NM_181825.3, NM_181832.3); c.434_435del, p.Arg145fs (NM_181828.3); c.437_438del, p.Arg146fs (NM_181829.3); c.311_312del, p.Arg104fs (NM_181830.3, NM_181831.3); c.447+13348GA[2] (NM_181833.3); short protein forms R104fs, R146fs, R145fs, R187fs.
Identifiers: ClinVar variation 547706 (VCV000547706.3), dbSNP rs1555993301, ClinGen allele CA658824144.

ClinVar aggregate classification (germline): Pathogenic/Likely pathogenic. Review status: criteria provided, multiple submitters, no conflicts (2 of 4 stars). 2 submissions from 2 submitters: Pathogenic (1); Likely pathogenic (1). Last evaluated 2024-06-25.

Conditions:
Neurofibromatosis, type 2 (SWNV). Also called: SCHWANNOMATOSIS, VESTIBULAR; NF2-Related Schwannomatosis; BILATERAL ACOUSTIC NEUROFIBROMATOSIS. Identifiers: Orphanet 637, MedGen C0027832, MONDO:0007039, OMIM 101000. Disease mechanism: loss of function.

Submissions (2):

Labcorp Genetics (formerly Invitae), Labcorp
Classification: Pathogenic for Neurofibromatosis, type 2. Last evaluated: 2024-06-25. Review status: criteria provided, single submitter. Criteria: Invitae Variant Classification Sherloc (09022015). Collection method: clinical testing. Allele origin: germline.
Comment: This sequence change creates a premature translational stop signal (p.Arg187Asnfs*15) in the NF2 gene. It is expected to result in an absent or disrupted protein product. Loss-of-function variants in NF2 are known to be pathogenic (PMID: 9643284, 16983642). This variant is not present in population databases (gnomAD no frequency). This variant has not been reported in the literature in individuals affected with NF2-related conditions. ClinVar contains an entry for this variant (Variation ID: 547706). For these reasons, this variant has been classified as Pathogenic.

Center for Human Genetics, Inc
Classification: Likely pathogenic for Neurofibromatosis, type 2. Last evaluated: 2016-11-01. Review status: criteria provided, single submitter. Criteria: ACMG Guidelines, 2015. Collection method: clinical testing. Allele origin: germline. Affected: yes.

Literature cited by the submitters: PubMed 9643284 (cited by Labcorp Genetics (formerly Invitae), Labcorp); PubMed 16983642 (cited by Labcorp Genetics (formerly Invitae), Labcorp).